The following is an entry in ClinVar:

ClinVar aggregate classification (germline): Likely benign (1 of 4 stars; one submission).

Allele frequency attached by ClinVar (database versions not stated): TOPMed 0.00013; gnomAD 0.00014; ExAC 0.00019; gnomAD exomes 0.00033; ESP Exome Variant Server 0.00047.
gnomAD v4.1: 377 of 1,206,942 alleles (0.031%); highest among the groups gnomAD compares: Non-Finnish European, 0.039%; no homozygotes.

Submission:

CeGaT Center for Human Genetics Tuebingen
Classification: Likely benign. Last evaluated: 2023-01-01. Review status: criteria provided, single submitter. Criteria: CeGaT Center For Human Genetics Tuebingen Variant Classification Criteria Version 2. Collection method: clinical testing. Allele origin: germline. Affected: yes. Observed: 1 variant allele.
Comment: VEGFD: BP4, BP7, BS2

NM_004469.5(VEGFD):c.333C>T (p.Cys111=)

Genes: PIR-FIGF (PIR-FIGF readthrough; minus strand), VEGFD (vascular endothelial growth factor D; minus strand). Cytogenetic location: Xp22.2.
Variant type: single nucleotide variant.
Coding change: c.333C>T on transcript NM_004469.5 (MANE Select); coding-DNA position 333, C replaced by T.
Protein change: p.Cys111=; no amino-acid change (cysteine 111 retained).
Molecular consequence: synonymous variant. On other transcripts: non-coding transcript variant (1).
Genome position (GRCh38, 1-based): chrX:15,358,162, G>A on the plus strand (C>T on the coding strand, the complement: VEGFD is on the minus strand). VCF-style: chrX-15358162-G-A. GRCh37 (hg19) VCF-style: chrX-15376284-G-A.
Identifiers: ClinVar variation 2660053 (VCV002660053.24), dbSNP rs148025234, ClinGen allele CA10354378.